The following is an entry in ClinVar:

ClinVar aggregate classification (germline): Pathogenic (1 of 4 stars; one submission).

Submission:

Labcorp Genetics (formerly Invitae), Labcorp
Classification: Pathogenic. Last evaluated: 2025-03-17. Review status: criteria provided, single submitter. Criteria: Invitae Variant Classification Sherloc (09022015). Collection method: clinical testing. Allele origin: germline.
Comment: This sequence change affects a donor splice site in intron 26 of the ABCA4 gene. It is expected to disrupt RNA splicing. Variants that disrupt the donor or acceptor splice site typically lead to a loss of protein function (PMID: 16199547), and loss-of-function variants in ABCA4 are known to be pathogenic (PMID: 10958761, 24938718, 25312043, 26780318). This variant is not present in population databases (gnomAD no frequency). Disruption of this splice site has been observed in individuals with retinal disease (PMID: 11527935, 23755871, 30093795). ClinVar contains an entry for this variant (Variation ID: 1352458). Algorithms developed to predict the effect of sequence changes on RNA splicing suggest that this variant may disrupt the consensus splice site. For these reasons, this variant has been classified as Pathogenic.

Literature cited by the submitters: PubMed 16199547; PubMed 10958761; PubMed 24938718; PubMed 25312043; PubMed 26780318; PubMed 11527935; PubMed 23755871; PubMed 30093795.

NM_000350.3(ABCA4):c.3862+2T>C

Genes: ABCA4 (ATP binding cassette subfamily A member 4; minus strand), LOC126805794 (BRD4-independent group 4 enhancer GRCh37_chr1:94502188-94503387; plus strand). Cytogenetic location: 1p22.1.
Variant type: single nucleotide variant.
Coding change: c.3862+2T>C on transcript NM_000350.3 (MANE Select); the canonical splice donor site of the intron after coding-DNA position 3862, T replaced by C.
Molecular consequence: splice donor variant.
Genome position (GRCh38, 1-based): chr1:94,036,738, A>G on the plus strand (T>C on the coding strand, the complement: ABCA4 is on the minus strand). VCF-style: chr1-94036738-A-G. GRCh37 (hg19) VCF-style: chr1-94502294-A-G.
Identifiers: ClinVar variation 1352458 (VCV001352458.8), dbSNP rs2101042802, ClinGen allele CA341288195.